The following is an entry in ClinVar:

ClinVar aggregate classification (germline): Conflicting classifications of pathogenicity. Review status: criteria provided, conflicting classifications (1 of 4 stars). 2 submissions from 2 submitters: Pathogenic (1); Uncertain significance (1). Last evaluated 2024-02-24.
ClinVar aggregate classification (somatic clinical impact): Tier I - Strong. Review status: criteria provided, single submitter (1 of 4 stars). 2 submissions from 1 submitter. 1 of the submissions does not count toward it. Last evaluated 2023-04-25.
ClinVar aggregate classification (oncogenicity): Oncogenic (1 of 4 stars; one submission).

Conditions:
Colorectal cancer. Also called: Malignant Colorectal Neoplasm; Colorectal cancer, somatic. Identifiers: MedGen C0346629, MONDO:0005575, OMIM 114500.
RASopathy. Also called: rasopathies; Noonan spectrum disorder. Identifiers: Orphanet 536391, MedGen C5555857, MONDO:0021060.
Embryonal rhabdomyosarcoma (ERMS). Also called: Botryoid rhabdomyosarcoma (type of ERMS); Spindle cell rhabdomyosarcomas (type of ERMS). Identifiers: Orphanet 99757, MedGen C0206656, MONDO:0009993, HP:0006743.
Neuroblastoma (NB). Identifiers: Orphanet 635, MedGen C0027819, MeSH D009447, MONDO:0005072, HP:0003006.
Neoplasm. Also called: tumor; Neoplasms; Neoplasm (disease). Identifiers: MedGen C0027651, MeSH D009369, MONDO:0005070, HP:0002664.

Submissions (5):

Center for Genomic Medicine, Rigshospitalet, Copenhagen University Hospital
Classification: Oncogenic for Neoplasm. Last evaluated: 2026-10-16. Review status: criteria provided, single submitter. Criteria: ClinGen/CGC/VICC Guidelines for Oncogenicity, 2022. Collection method: clinical testing. Allele origin: somatic. Affected: yes.

Institute for Genomic Medicine (IGM) Clinical Laboratory, Nationwide Children's Hospital
Classification: Tier II - Potential for Neuroblastoma. Assertion type: diagnostic. Clinical significance: supports diagnosis. Last evaluated: 2025-04-09. Review status: criteria provided, single submitter. Criteria: AMP/ASCO/CAP Guidelines, 2017. Collection method: clinical testing. Allele origin: somatic. Affected: yes. Not counted in ClinVar's aggregate classification.
Comment: Variant has Tier II (potential) clinical significance as a diagnostic inclusion criterion in neuroblastoma, based on the following evidence: 1) Documented in one or more cancer databases (e.g., St. Jude Pecan, COSMIC, CIViC, OncoKB). 2) Information in the literature supports potential biologic effect of variant (PMIDs: 27251789, 34117033, 23487764). 3) Diagnostic significance based on multiple small studies (Evidence Level C; PMIDs: 23334666, 30523111, 33056981, 26121087).

Labcorp Genetics (formerly Invitae), Labcorp
Classification: Uncertain significance for RASopathy. Last evaluated: 2024-02-24. Review status: criteria provided, single submitter. Criteria: Invitae Variant Classification Sherloc (09022015). Collection method: clinical testing. Allele origin: germline.
Comment: This sequence change replaces glutamine, which is neutral and polar, with leucine, which is neutral and non-polar, at codon 61 of the NRAS protein (p.Gln61Leu). This variant is not present in population databases (gnomAD no frequency). This variant has not been reported in the literature in individuals affected with NRAS-related conditions. ClinVar contains an entry for this variant (Variation ID: 375874). Advanced modeling of protein sequence and biophysical properties (such as structural, functional, and spatial information, amino acid conservation, physicochemical variation, residue mobility, and thermodynamic stability) performed at Invitae indicates that this missense variant is expected to disrupt NRAS protein function with a positive predictive value of 95%. In summary, the available evidence is currently insufficient to determine the role of this variant in disease. Therefore, it has been classified as a Variant of Uncertain Significance.

Institute for Genomic Medicine (IGM) Clinical Laboratory, Nationwide Children's Hospital
Classification: Tier I - Strong for Embryonal rhabdomyosarcoma. Assertion type: diagnostic. Clinical significance: supports diagnosis. Last evaluated: 2023-04-25. Review status: criteria provided, single submitter. Criteria: AMP/ASCO/CAP Guidelines, 2017. Collection method: clinical testing. Allele origin: somatic. Affected: yes.
Comment: Variant has Tier I (strong) clinical significance as a diagnostic inclusion criterion in embryonal rhabdomyosarcoma, based on the following evidence: 1) Diagnostic for a specific tumor type/classification based on well-powered studies with expert-level consensus (Evidence Level B; PMIDs: 19681119, 24332040, 24436047, 25768946, 34166060).

Clinical Laboratory Sciences Program (CLSP), King Saud bin Abdulaziz University for Health Sciences (KSAU-HS)
Classification: Pathogenic for Colorectal cancer. Last evaluated: 2023-01-01. Review status: criteria provided, single submitter. Criteria: ACMG Guidelines, 2015. Collection method: clinical testing. Allele origin: germline. Affected: yes.
Comment: PM1, PM5, PP3, PM2, PP5

Literature cited by the submitters: PubMed 27251789 (cited by Institute for Genomic Medicine (IGM) Clinical Laboratory, Nationwide Children's Hospital); PubMed 34117033 (cited by Institute for Genomic Medicine (IGM) Clinical Laboratory, Nationwide Children's Hospital); PubMed 23487764 (cited by Institute for Genomic Medicine (IGM) Clinical Laboratory, Nationwide Children's Hospital); PubMed 23334666 (cited by Institute for Genomic Medicine (IGM) Clinical Laboratory, Nationwide Children's Hospital); PubMed 30523111 (cited by Institute for Genomic Medicine (IGM) Clinical Laboratory, Nationwide Children's Hospital); PubMed 33056981 (cited by Institute for Genomic Medicine (IGM) Clinical Laboratory, Nationwide Children's Hospital); PubMed 26121087 (cited by Institute for Genomic Medicine (IGM) Clinical Laboratory, Nationwide Children's Hospital); PubMed 19681119 (cited by Institute for Genomic Medicine (IGM) Clinical Laboratory, Nationwide Children's Hospital); PubMed 24332040 (cited by Institute for Genomic Medicine (IGM) Clinical Laboratory, Nationwide Children's Hospital); PubMed 24436047 (cited by Institute for Genomic Medicine (IGM) Clinical Laboratory, Nationwide Children's Hospital); PubMed 25768946 (cited by Institute for Genomic Medicine (IGM) Clinical Laboratory, Nationwide Children's Hospital); PubMed 34166060 (cited by Institute for Genomic Medicine (IGM) Clinical Laboratory, Nationwide Children's Hospital).

NM_002524.5(NRAS):c.182A>T (p.Gln61Leu)

Gene: NRAS (NRAS proto-oncogene, GTPase; minus strand). Cytogenetic location: 1p13.2.
Variant type: single nucleotide variant.
Coding change: c.182A>T on transcript NM_002524.5 (MANE Select); coding-DNA position 182, A replaced by T.
Protein change: p.Gln61Leu; replaces glutamine 61 with leucine.
Molecular consequence: missense variant.
Genome position (GRCh38, 1-based): chr1:114,713,908, T>A on the plus strand (A>T on the coding strand, the complement: NRAS is on the minus strand). VCF-style: chr1-114713908-T-A. GRCh37 (hg19) VCF-style: chr1-115256529-T-A.
Other names: short protein forms Q61L.
Identifiers: ClinVar variation 375874 (VCV000375874.9), dbSNP rs11554290, ClinGen allele CA16602361.
Genomic context (GRCh38, chr1:114,713,908, plus strand): 5'-ACACAGAGGAAGCCTTCGCCTGTCCTCATGTATTGGTCTCTCATGGCACTGTACTCTTCT[T>A]GTCCAGCTGTATCCAGTATGTCCAACAAACAGGTTTCACCATCTATAACCACTTGTTTTC-3'
Protein context (NP_002515.1, residues 51-71): CLLDILDTAG[Gln61Leu]EEYSAMRDQY